The following is an entry in ClinVar:

NM_000937.5(POLR2A):c.2589G>T (p.Arg863=)

Genes: POLR2A (RNA polymerase II subunit A; plus strand), LOC126862481 (BRD4-independent group 4 enhancer GRCh37_chr17:7405086-7406285; plus strand). Cytogenetic location: 17p13.1.
Variant type: single nucleotide variant.
Coding change: c.2589G>T on transcript NM_000937.5 (MANE Select); coding-DNA position 2589, G replaced by T.
Protein change: p.Arg863=; no amino-acid change (arginine 863 retained).
Molecular consequence: synonymous variant.
Genome position (GRCh38, 1-based): chr17:7,502,534, G>T. VCF-style: chr17-7502534-G-T. GRCh37 (hg19) VCF-style: chr17-7405853-G-T.
Identifiers: ClinVar variation 4872953 (VCV004872953.2).
Genomic context (GRCh38, chr17:7,502,534, plus strand): 5'-CAGCCTGGGTCTTTGGGCTTTATCATCCCCTTACTTCCCTCCAGGATACATCCAGCGGCG[G>T]CTGATCAAGTCCATGGAGTCAGTGATGGTGAAGTACGACGCGACTGTGCGGAACTCCATC-3'
Protein context (NP_000928.1, residues 853-873): KTAETGYIQR[Arg863=]LIKSMESVMV

ClinVar aggregate classification (germline): Likely benign (1 of 4 stars; one submission).

Submission:

CeGaT Center for Human Genetics Tuebingen
Classification: Likely benign. Last evaluated: 2026-04-01. Review status: criteria provided, single submitter. Criteria: CeGaT Center For Human Genetics Tuebingen Variant Classification Criteria Version 2. Collection method: clinical testing. Allele origin: germline. Affected: yes. Observed: 1 variant allele.
Comment: POLR2A: BP4, BP7, BS1